The following is an entry in ClinVar:

ClinVar aggregate classification (germline): Uncertain significance. Review status: criteria provided, multiple submitters, no conflicts (2 of 4 stars). 2 submissions from 2 submitters: Uncertain significance (2). Last evaluated 2026-02-25.

Conditions:
Progressive sclerosing poliodystrophy (MTDPS4A). Also called: ALPERS DIFFUSE DEGENERATION OF CEREBRAL GRAY MATTER WITH HEPATIC CIRRHOSIS; Alpers-Huttenlocher Syndrome; Alpers Syndrome; ALPERS PROGRESSIVE INFANTILE POLIODYSTROPHY; NEURONAL DEGENERATION OF CHILDHOOD WITH LIVER DISEASE, PROGRESSIVE; Mitochondrial DNA depletion syndrome 4A (Alpers type). Identifiers: Orphanet 726, MedGen C0205710, MONDO:0008758, OMIM 203700.

Submissions (2):

GeneDx
Classification: Uncertain significance. Last evaluated: 2026-02-25. Review status: criteria provided, single submitter. Criteria: GeneDx Variant Classification Process June 2021. Collection method: clinical testing. Allele origin: germline.
Comment: Not observed at significant frequency in large population cohorts (gnomAD); In silico analysis suggests that this missense variant does not alter protein structure/function; Has not been previously published as pathogenic or benign to our knowledge

Labcorp Genetics (formerly Invitae), Labcorp
Classification: Uncertain significance for Progressive sclerosing poliodystrophy. Last evaluated: 2025-09-27. Review status: criteria provided, single submitter. Criteria: Invitae Variant Classification Sherloc (09022015). Collection method: clinical testing. Allele origin: germline.
Comment: This sequence change replaces arginine, which is basic and polar, with tryptophan, which is neutral and slightly polar, at codon 40 of the POLG protein (p.Arg40Trp). The frequency data for this variant in the population databases is considered unreliable, as metrics indicate poor data quality at this position in the gnomAD database. This variant has not been reported in the literature in individuals affected with POLG-related conditions. Invitae Evidence Modeling of protein sequence and biophysical properties (such as structural, functional, and spatial information, amino acid conservation, physicochemical variation, residue mobility, and thermodynamic stability) indicates that this missense variant is not expected to disrupt POLG protein function with a negative predictive value of 95%. In summary, the available evidence is currently insufficient to determine the role of this variant in disease. Therefore, it has been classified as a Variant of Uncertain Significance.

NM_002693.3(POLG):c.118C>T (p.Arg40Trp)

Genes: POLG (DNA polymerase gamma, catalytic subunit; minus strand), POLGARF (POLG alternative reading frame; minus strand). Cytogenetic location: 15q26.1.
Variant type: single nucleotide variant.
Coding change: c.118C>T on transcript NM_002693.3 (MANE Select); coding-DNA position 118, C replaced by T.
Protein change: p.Arg40Trp; replaces arginine 40 with tryptophan.
Molecular consequence: missense variant.
Genome position (GRCh38, 1-based): chr15:89,333,637, G>A on the plus strand (C>T on the coding strand, the complement: POLG is on the minus strand). VCF-style: chr15-89333637-G-A. GRCh37 (hg19) VCF-style: chr15-89876868-G-A.
Other names: c.173C>T, p.Ala58Val (NM_001430120.1); c.118C>T, p.Arg40Trp (NM_001126131.2); short protein forms A58V, R40W.
Identifiers: ClinVar variation 4778347 (VCV004778347.2).
Genomic context (GRCh38, chr15:89,333,637, plus strand): 5'-GCGGCTGCTGAGGCTGCTGTTGCTGCTGCTGCTGCTGCTGCTGCTGCTGCTGCCGCCGCC[G>A]CTGCCCGTCGCTGGGGTCGGACGCGGGGACGGAGCTGGAGACCCAGCGCCCCGGAGCTGG-3'
Protein context (NP_002684.1, residues 30-50): VPASDPSDGQ[Arg40Trp]RRQQQQQQQQ